The following is an entry in ClinVar:

NM_007294.4(BRCA1):c.536_547+166delinsT

Gene: BRCA1 (BRCA1 DNA repair associated; minus strand). Cytogenetic location: 17q21.31.
Variant type: Indel.
Coding change: c.536_547+166delinsT on transcript NM_007294.4 (MANE Select); coding-DNA position 536 through 166 bases into the intron after coding-DNA position 547, the reference bases replaced by T.
Molecular consequence: splice donor variant. On other transcripts: intron variant (2).
Genome position (GRCh38, 1-based): chr17:43,099,609-43,099,786, 178 bases replaced. GRCh37 (hg19): chr17:41,251,626-41,251,803.
Other names: c.527_538+166delinsT (NM_001407646.1, NM_001408408.1, NM_001407647.1); c.533_544+166delinsT (NM_001407689.1, NM_001408431.1, NM_001408424.1 and 65 more transcripts); c.395_406+166delinsT (NM_001408458.1, NM_001407922.1, NM_001408469.1 and 61 more transcripts); c.-218-4926_-218-4749delinsT (NM_001407967.1, NM_001407966.1); c.155_166+166delinsT (NM_001407959.1, NM_001408512.1, NM_001408510.1 and 3 more transcripts); c.392_403+166delinsT (NM_001407931.1, NM_001407747.1, NM_001408470.1 and 35 more transcripts); c.152_163+166delinsT (NM_001407962.1); c.326_337+166delinsT (NM_001407885.1, NM_001407886.1, NM_001407881.1 and 37 more transcripts); and 5 more.
Identifiers: ClinVar variation 919622 (VCV000919622.11), dbSNP rs2054281859, ClinGen allele CA913188969.

ClinVar aggregate classification (germline): Pathogenic/Likely pathogenic. Review status: criteria provided, multiple submitters, no conflicts (2 of 4 stars). 2 submissions from 2 submitters: Pathogenic (1); Likely pathogenic (1). Last evaluated 2025-05-15.

Conditions:
Hereditary breast ovarian cancer syndrome. Also called: BRCA1- and BRCA2-Associated Hereditary Breast and Ovarian Cancer; Hereditary breast and ovarian cancer syndrome; Hereditary breast and ovarian cancer; Hereditary breast and ovarian cancer syndrome (HBOC); Breast and ovarian cancer; Hereditary breast and/or ovarian cancer syndrome. Identifiers: Orphanet 145, MedGen C0677776, MeSH D061325, MONDO:0003582. Disease mechanism: loss of function.
Hereditary cancer-predisposing syndrome. Also called: Neoplastic Syndromes, Hereditary; Tumor predisposition; Hereditary Cancer Syndrome; Hereditary neoplastic syndrome. Identifiers: Orphanet 140162, MedGen C0027672, MeSH D009386, MONDO:0015356.

Submissions (2):

Labcorp Genetics (formerly Invitae), Labcorp
Classification: Pathogenic for Hereditary breast ovarian cancer syndrome. Last evaluated: 2025-05-15. Review status: criteria provided, single submitter. Criteria: Invitae Variant Classification Sherloc (09022015). Collection method: clinical testing. Allele origin: germline.
Comment: This variant results in the deletion of part of exon 7 (c.536_547+166delinsT) of the BRCA1 gene. RNA analysis indicates that this variant induces altered splicing and may result in an absent or altered protein product. This variant is not present in population databases (gnomAD no frequency). This variant has not been reported in the literature in individuals affected with BRCA1-related conditions. ClinVar contains an entry for this variant (Variation ID: 919622). Studies have shown that this variant results in skipping of exon 7, and produces a non-functional protein and/or introduces a premature termination codon (internal data). For these reasons, this variant has been classified as Pathogenic.

Color Diagnostics, LLC DBA Color Health
Classification: Likely pathogenic for Hereditary cancer-predisposing syndrome. Last evaluated: 2024-12-12. Review status: criteria provided, single submitter. Criteria: ACMG Guidelines, 2015. Collection method: clinical testing. Allele origin: germline.
Comment: This variant causes a deletion of 178 nucleotides and an insertion of one nucleotide that encompass the intron 7 splice donor site. Splice site prediction tools suggest that this variant may have a significant impact on RNA splicing (PMID: 30661751, 35449021). However, this prediction has not been confirmed in published RNA studies. This variant has been reported with an adjacent 8-nucleotide duplication in intron 7 as c.[536_547+166delinsT;547+213_547+220dup] in family members affected with breast and/or ovarian cancer (PMID: 39663108). This variant has not been identified in the general population by the Genome Aggregation Database (gnomAD). Based on the available evidence, this variant is classified as Likely Pathogenic.

Literature cited by the submitters: PubMed 30661751 (cited by Color Diagnostics, LLC DBA Color Health); PubMed 35449021 (cited by Color Diagnostics, LLC DBA Color Health); PubMed 39663108 (cited by Color Diagnostics, LLC DBA Color Health).